The following is an entry in ClinVar:

NM_024685.4(BBS10):c.42G>A (p.Ala14=)

Gene: BBS10 (Bardet-Biedl syndrome 10; minus strand). Cytogenetic location: 12q21.2.
Variant type: single nucleotide variant.
Coding change: c.42G>A on transcript NM_024685.4 (MANE Select); coding-DNA position 42, G replaced by A.
Protein change: p.Ala14=; no amino-acid change (alanine 14 retained).
Molecular consequence: synonymous variant.
Genome position (GRCh38, 1-based): chr12:76,348,317, C>T on the plus strand (G>A on the coding strand, the complement: BBS10 is on the minus strand). VCF-style: chr12-76348317-C-T. GRCh37 (hg19) VCF-style: chr12-76742097-C-T.
Other names: c.42G>A, p.Ala14= (LRG_1255t1).
Identifiers: ClinVar variation 310499 (VCV000310499.19), dbSNP rs373458861, ClinGen allele CA6694437.

ClinVar aggregate classification (germline): Likely benign. Review status: criteria provided, multiple submitters, no conflicts (2 of 4 stars). 3 submissions from 3 submitters: Likely benign (2). 1 of the submissions does not count toward it. Last evaluated 2025-11-18.

Conditions:
BBS10-related disorder. Also called: BBS10-related condition.
Bardet-Biedl syndrome (BBS). Identifiers: Orphanet 110, MedGen C0752166, MONDO:0015229.

Allele frequency attached by ClinVar (database versions not stated): ExAC 0.00003; gnomAD exomes 0.00004; gnomAD 0.00005; TOPMed 0.00006; ESP Exome Variant Server 0.00008.
gnomAD v4.1: 68 of 1,609,562 alleles (0.0042%); highest among the groups gnomAD compares: Non-Finnish European, 0.0054%; no homozygotes.

Submissions (3):

Labcorp Genetics (formerly Invitae), Labcorp
Classification: Likely benign for Bardet-Biedl syndrome. Last evaluated: 2025-11-18. Review status: criteria provided, single submitter. Criteria: Invitae Variant Classification Sherloc (09022015). Collection method: clinical testing. Allele origin: germline.

Blueprint Genetics
Classification: Likely benign. Last evaluated: 2024-08-29. Review status: criteria provided, single submitter. Criteria: ACMG Guidelines, 2015. Collection method: clinical testing. Allele origin: germline.

PreventionGenetics, part of Exact Sciences
Classification: Likely benign for BBS10-related condition. Last evaluated: 2024-01-05. Review status: no assertion criteria provided. Collection method: clinical testing. Allele origin: germline. Not counted in ClinVar's aggregate classification.
Comment: This variant is classified as likely benign based on ACMG/AMP sequence variant interpretation guidelines (Richards et al. 2015 PMID: 25741868, with internal and published modifications).